The following is an entry in ClinVar:

NM_020207.7(ERCC6L2):c.1873G>T (p.Asp625Tyr)

Gene: ERCC6L2 (ERCC excision repair 6 like 2; plus strand). Cytogenetic location: 9q22.32.
Variant type: single nucleotide variant.
Coding change: c.1873G>T on transcript NM_020207.7 (MANE Select); coding-DNA position 1873, G replaced by T.
Protein change: p.Asp625Tyr; replaces aspartic acid 625 with tyrosine.
Molecular consequence: missense variant. On other transcripts: non-coding transcript variant (1).
Genome position (GRCh38, 1-based): chr9:95,955,939, G>T. VCF-style: chr9-95955939-G-T. GRCh37 (hg19) VCF-style: chr9-98718221-G-T.
Other names: c.1873G>T, p.Asp625Tyr (NM_001010895.4, NM_001375291.1, NM_001375292.1 and 2 more transcripts); short protein forms D625Y.
Identifiers: ClinVar variation 4250621 (VCV004250621.1).

ClinVar aggregate classification (germline): Uncertain significance (1 of 4 stars; one submission).

Conditions:
Inborn genetic diseases. Identifiers: MedGen C0950123, MeSH D030342.

Submission:

Ambry Genetics
Classification: Uncertain significance for Inborn genetic diseases. Last evaluated: 2025-08-09. Review status: criteria provided, single submitter. Criteria: Ambry Variant Classification Scheme 2023. Collection method: clinical testing. Allele origin: germline.
Comment: The p.D625Y variant (also known as c.1873G>T), located in coding exon 13 of the ERCC6L2 gene, results from a G to T substitution at nucleotide position 1873. The aspartic acid at codon 625 is replaced by tyrosine, an amino acid with highly dissimilar properties. This amino acid position is conserved. In addition, this alteration is predicted to be deleterious by in silico analysis. Based on the available evidence, the clinical significance of this variant remains unclear.